The following is an entry in ClinVar:

NM_004168.4(SDHA):c.771-1G>C

Gene: SDHA (succinate dehydrogenase complex flavoprotein subunit A; plus strand). Cytogenetic location: 5p15.33.
Variant type: single nucleotide variant.
Coding change: c.771-1G>C on transcript NM_004168.4 (MANE Select); the canonical splice acceptor site of the intron before coding-DNA position 771, G replaced by C.
Molecular consequence: splice acceptor variant.
Genome position (GRCh38, 1-based): chr5:230,875, G>C. VCF-style: chr5-230875-G-C. GRCh37 (hg19) VCF-style: chr5-230990-G-C.
Other names: c.771-1G>C (NM_001330758.2, NM_004168.2); c.627-1G>C (NM_001294332.2).
Identifiers: ClinVar variation 1067316 (VCV001067316.17), dbSNP rs1735353141, ClinGen allele CA359011512.

ClinVar aggregate classification (germline): Likely pathogenic. Review status: criteria provided, multiple submitters, no conflicts (2 of 4 stars). 3 submissions from 3 submitters: Likely pathogenic (3). Last evaluated 2025-12-08.

Conditions:
Hereditary cancer-predisposing syndrome. Also called: Tumor predisposition; Hereditary neoplastic syndrome; Neoplastic Syndromes, Hereditary; Hereditary Cancer Syndrome. Identifiers: Orphanet 140162, MedGen C0027672, MeSH D009386, MONDO:0015356.
Mitochondrial complex II deficiency, nuclear type 1. Also called: SUCCINATE CoQ REDUCTASE DEFICIENCY. Identifiers: Orphanet 3208, MedGen C5700310, MONDO:0100294, OMIM 252011.
Pheochromocytoma/paraganglioma syndrome 5. Also called: Paragangliomas 5; SDHA-Related Hereditary Paraganglioma-Pheochromocytoma Syndrome. Identifiers: Orphanet 29072, MedGen C3279992, MONDO:0013602, OMIM 614165.
Dilated cardiomyopathy 1GG (CMD1GG). Identifiers: Orphanet 154, MedGen C3150898, MONDO:0013339, OMIM 613642.

Allele frequency attached by ClinVar (database versions not stated): gnomAD exomes below 0.00001; TOPMed 0.00001.
gnomAD v4.1: 1 of 1,613,584 alleles (0.000062%); highest among the groups gnomAD compares: Non-Finnish European, 0.000085%; no homozygotes.

Submissions (3):

Ambry Genetics
Classification: Likely pathogenic for Hereditary cancer-predisposing syndrome. Last evaluated: 2025-12-08. Review status: criteria provided, single submitter. Criteria: Ambry Variant Classification Scheme 2023. Collection method: clinical testing. Allele origin: germline.
Comment: The c.771-1G>C intronic variant results from a G to C substitution one nucleotide upstream from coding exon 7 of the SDHA gene. This nucleotide position is highly conserved in available vertebrate species. In silico splice site analysis predicts that this alteration will weaken the native splice acceptor site and will result in the creation or strengthening of a novel splice acceptor site. RNA studies have demonstrated that this alteration results in abnormal splicing in the set of samples tested (Ambry internal data). This variant is considered to be rare based on population cohorts in the Genome Aggregation Database (gnomAD). Based on the majority of available evidence to date, this variant is likely to be pathogenic.

Labcorp Genetics (formerly Invitae), Labcorp
Classification: Likely pathogenic for Pheochromocytoma/paraganglioma syndrome 5; Mitochondrial complex II deficiency, nuclear type 1. Last evaluated: 2025-10-13. Review status: criteria provided, single submitter. Criteria: Invitae Variant Classification Sherloc (09022015). Collection method: clinical testing. Allele origin: germline.
Comment: This sequence change affects an acceptor splice site in intron 6 of the SDHA gene. It is expected to disrupt RNA splicing. Variants that disrupt the donor or acceptor splice site typically lead to a loss of protein function (PMID: 16199547), and loss-of-function variants in SDHA are known to be pathogenic (PMID: 22974104, 24781757). This variant is not present in population databases (gnomAD no frequency). This variant has not been reported in the literature in individuals affected with SDHA-related conditions. ClinVar contains an entry for this variant (Variation ID: 1067316). Algorithms developed to predict the effect of sequence changes on RNA splicing suggest that this variant may disrupt the consensus splice site. In summary, the currently available evidence indicates that the variant is pathogenic, but additional data are needed to prove that conclusively. Therefore, this variant has been classified as Likely Pathogenic.

Baylor Genetics
Classification: Likely pathogenic for Dilated cardiomyopathy 1GG. Last evaluated: 2021-08-28. Review status: criteria provided, single submitter. Criteria: ACMG Guidelines, 2015. Collection method: clinical testing. Allele origin: unknown.

Literature cited by the submitters: PubMed 16199547 (cited by Labcorp Genetics (formerly Invitae), Labcorp); PubMed 22974104 (cited by Labcorp Genetics (formerly Invitae), Labcorp); PubMed 24781757 (cited by Labcorp Genetics (formerly Invitae), Labcorp).